The following is an entry in ClinVar:

NM_001270.4(CHD1):c.4427+17T>G

Gene: CHD1 (chromodomain helicase DNA binding protein 1; minus strand). Cytogenetic location: 5q15.
Variant type: single nucleotide variant.
Coding change: c.4427+17T>G on transcript NM_001270.4 (MANE Select); 17 bases into the intron after coding-DNA position 4427, T replaced by G.
Molecular consequence: intron variant.
Genome position (GRCh38, 1-based): chr5:98,863,391, A>C on the plus strand (T>G on the coding strand, the complement: CHD1 is on the minus strand). VCF-style: chr5-98863391-A-C. GRCh37 (hg19) VCF-style: chr5-98199095-A-C.
Other names: c.4427+17T>G (NM_001376194.2); c.4691+17T>G (NM_001364113.3).
Identifiers: ClinVar variation 1031944 (VCV001031944.1), dbSNP rs1309113022, ClinGen allele CA561308521.
Genomic context (GRCh38, chr5:98,863,391, plus strand): 5'-TCAGGAAAGAAAACAAAAAAAAAAAAAGACAGTTATATAATATAAATTTAACACTTCCTG[A>C]AAAGTGTATCACTTACTTTCTCCATTGCTTAATTTGTTCAGGATTTGTATACTCTTTTAG-3'

ClinVar aggregate classification (germline): Uncertain significance (1 of 4 stars; one submission).

Conditions:
Pilarowski-Bjornsson syndrome. Also called: DEVELOPMENTAL DELAY AND SPEECH APRAXIA WITH OR WITHOUT SEIZURES. Identifiers: Orphanet 529965, MedGen C4540131, MONDO:0060568, OMIM 617682.

Allele frequency attached by ClinVar (database versions not stated): gnomAD exomes 0.00001; TOPMed 0.00001.

Submission:

Baylor Genetics
Classification: Uncertain significance for Pilarowski-Bjornsson syndrome. Last evaluated: 2018-07-25. Review status: criteria provided, single submitter. Criteria: ACMG Guidelines, 2015. Collection method: clinical testing. Allele origin: unknown. Affected: yes.
Comment: This variant was determined to be of uncertain significance according to ACMG Guidelines, 2015 [PMID:25741868].